The following is an entry in ClinVar:

NM_002887.4(RARS1):c.1692T>G (p.Ile564Met)

Gene: RARS1 (arginyl-tRNA synthetase 1; plus strand). Cytogenetic location: 5q34.
Variant type: single nucleotide variant.
Coding change: c.1692T>G on transcript NM_002887.4 (MANE Select); coding-DNA position 1692, T replaced by G.
Protein change: p.Ile564Met; replaces isoleucine 564 with methionine.
Molecular consequence: missense variant.
Genome position (GRCh38, 1-based): chr5:168,517,881, T>G. VCF-style: chr5-168517881-T-G. GRCh37 (hg19) VCF-style: chr5-167944886-T-G.
Other names: short protein forms I564M.
Identifiers: ClinVar variation 1680440 (VCV001680440.8), dbSNP rs2113042954, ClinGen allele CA362086241.
Genomic context (GRCh38, chr5:168,517,881, plus strand): 5'-TGCACGTCTGGCCAATATTGATGAAGAAATGCTCCAAAAAGCTGCTCGAGAAACCAAGAT[T>G]CTTTTGGATCATGAGAAGGAATGGAAACTAGGCCGGTGCATTTTACGGTTCCCTGAGATT-3'
Protein context (NP_002878.2, residues 554-574): MLQKAARETK[Ile564Met]LLDHEKEWKL

ClinVar aggregate classification (germline): Uncertain significance (1 of 4 stars; one submission).

gnomAD v4.1: 1 of 1,613,804 alleles (0.000062%); no homozygotes.

Submission:

Labcorp Genetics (formerly Invitae), Labcorp
Classification: Uncertain significance. Last evaluated: 2022-07-12. Review status: criteria provided, single submitter. Criteria: Invitae Variant Classification Sherloc (09022015). Collection method: clinical testing. Allele origin: germline.
Comment: This sequence change replaces isoleucine, which is neutral and non-polar, with methionine, which is neutral and non-polar, at codon 564 of the RARS protein (p.Ile564Met). This variant is not present in population databases (gnomAD no frequency). This variant has not been reported in the literature in individuals affected with RARS-related conditions. ClinVar contains an entry for this variant (Variation ID: 1680440). Algorithms developed to predict the effect of missense changes on protein structure and function are either unavailable or do not agree on the potential impact of this missense change (SIFT: "Deleterious"; PolyPhen-2: "Possibly Damaging"; Align-GVGD: "Class C0"). In summary, the available evidence is currently insufficient to determine the role of this variant in disease. Therefore, it has been classified as a Variant of Uncertain Significance.